The following is an entry in ClinVar:

ClinVar aggregate classification (germline): Pathogenic (1 of 4 stars; one submission).

Conditions:
Inborn genetic diseases. Identifiers: MedGen C0950123, MeSH D030342.

Submission:

Ambry Genetics
Classification: Pathogenic for Inborn genetic diseases. Last evaluated: 2025-06-13. Review status: criteria provided, single submitter. Criteria: Ambry Variant Classification Scheme 2023. Collection method: clinical testing. Allele origin: germline.
Comment: The c.2241delT alteration, located in exon 9 (coding exon 8) of the FAN1 gene, consists of a deletion of one nucleotide at position 2241, causing a translational frameshift with a predicted alternate stop codon after 30 amino acids. This alteration is expected to result in loss of function by premature protein truncation or nonsense-mediated mRNA decay. This variant was not reported in population-based cohorts in the Genome Aggregation Database (gnomAD). Based on the available evidence, this alteration is classified as pathogenic.

NM_014967.5(FAN1):c.2241del (p.Gln748fs)

Genes: FAN1 (FANCD2 and FANCI associated nuclease 1; plus strand), MTMR10 (myotubularin related protein 10; minus strand). Cytogenetic location: 15q13.3.
Variant type: Deletion.
Coding change: c.2241del on transcript NM_014967.5 (MANE Select); coding-DNA position 2241, one base deleted (T; older notation c.2241delT).
Protein change: p.Gln748fs; shifts the reading frame from glutamine 748.
Molecular consequence: frameshift variant.
Genome position (GRCh38, 1-based): chr15:30,925,195, T deleted. VCF-style (leftmost placement, unchanged base first): chr15-30925194-AT-A. GRCh37 (hg19) VCF-style: chr15-31217397-AT-A.
Other names: short protein forms Q748fs.
Identifiers: ClinVar variation 4022075 (VCV004022075.1).